The following is an entry in ClinVar:

NM_004562.3(PRKN):c.872-35G>A

Gene: PRKN (parkin RBR E3 ubiquitin protein ligase; minus strand). Cytogenetic location: 6q26.
Variant type: single nucleotide variant.
Coding change: c.872-35G>A on transcript NM_004562.3 (MANE Select); 35 bases into the intron before coding-DNA position 872, G replaced by A.
Molecular consequence: intron variant.
Genome position (GRCh38, 1-based): chr6:161,569,451, C>T on the plus strand (G>A on the coding strand, the complement: PRKN is on the minus strand). VCF-style: chr6-161569451-C-T. GRCh37 (hg19) VCF-style: chr6-161990483-C-T.
Other names: c.425-35G>A (NM_013988.3); c.788-35G>A (NM_013987.3).
Identifiers: ClinVar variation 1274474 (VCV001274474.3), dbSNP rs3765474, ClinGen allele CA4090131.

ClinVar aggregate classification (germline): Benign. Review status: criteria provided, multiple submitters, no conflicts (2 of 4 stars). 2 submissions from 2 submitters: Benign (2). Last evaluated 2024-07-31.

Allele frequency attached by ClinVar (database versions not stated): TOPMed 0.53826; ESP Exome Variant Server 0.54575; gnomAD 0.54760 and 0.54959; gnomAD exomes 0.54905 and 0.54915; ExAC 0.55303; 1000 Genomes Project 30x 0.57339; 1000 Genomes Project 0.57808.
gnomAD v4.1: 861,636 of 1,566,764 alleles (55%); highest among the groups gnomAD compares: East Asian, 69%; 238,283 homozygotes.

Submissions (2):

Unidad de Genómica Garrahan, Hospital de Pediatría Garrahan
Classification: Benign. Last evaluated: 2024-07-31. Review status: criteria provided, single submitter. Criteria: ACMG Guidelines, 2015. Collection method: clinical testing. Allele origin: germline. Affected: no. Observed: 64 variant alleles.
Comment: This variant is classified as Benign based on local population frequency. This variant was detected in 69% of patients studied in a panel designed for Epileptic and Developmental Encephalopathy, Progressive Myoclonus Epilepsy and Abnormal Movements and Neurodegeneration with brain iron accumulation. Number of patients: 64. Only high quality variants are reported.

GeneDx
Classification: Benign. Last evaluated: 2018-08-15. Review status: criteria provided, single submitter. Criteria: GeneDx Variant Classification Process June 2021. Collection method: clinical testing. Allele origin: germline. Affected: yes.